The following is an entry in ClinVar:

NM_001376.5(DYNC1H1):c.6893G>A (p.Arg2298His)

Gene: DYNC1H1 (dynein cytoplasmic 1 heavy chain 1; plus strand). Cytogenetic location: 14q32.31.
Variant type: single nucleotide variant.
Coding change: c.6893G>A on transcript NM_001376.5 (MANE Select); coding-DNA position 6893, G replaced by A.
Protein change: p.Arg2298His; replaces arginine 2298 with histidine.
Molecular consequence: missense variant.
Genome position (GRCh38, 1-based): chr14:102,012,349, G>A. VCF-style: chr14-102012349-G-A. GRCh37 (hg19) VCF-style: chr14-102478686-G-A.
Other names: short protein forms R2298H.
Identifiers: ClinVar variation 4071574 (VCV004071574.2).

ClinVar aggregate classification (germline): Uncertain significance. Review status: criteria provided, multiple submitters, no conflicts (2 of 4 stars). 2 submissions from 2 submitters: Uncertain significance (2). Last evaluated 2026-08-23.

Conditions:
Inborn genetic diseases. Identifiers: MedGen C0950123, MeSH D030342.

gnomAD v4.1: 1 of 1,614,200 alleles (0.000062%); highest among the groups gnomAD compares: Non-Finnish European, 0.000085%; no homozygotes.

Submissions (2):

Ambry Genetics
Classification: Uncertain significance for Inborn genetic diseases. Last evaluated: 2026-08-23. Review status: criteria provided, single submitter. Criteria: Ambry Variant Classification Scheme 2023. Collection method: clinical testing. Allele origin: germline.

GeneDx
Classification: Uncertain significance. Last evaluated: 2025-01-24. Review status: criteria provided, single submitter. Criteria: GeneDx Variant Classification Process June 2021. Collection method: clinical testing. Allele origin: germline. Affected: yes.
Comment: Not observed at significant frequency in large population cohorts (gnomAD); In silico analysis supports that this missense variant has a deleterious effect on protein structure/function; Has not been previously published as pathogenic or benign to our knowledge; This variant is associated with the following publications: (PMID: 25512093, 25609763, 26100331)